The following is an entry in ClinVar:

NM_006118.4(HAX1):c.46C>T (p.Pro16Ser)

Gene: HAX1 (HCLS1 associated protein X-1; plus strand). Cytogenetic location: 1q21.3.
Variant type: single nucleotide variant.
Coding change: c.46C>T on transcript NM_006118.4 (MANE Select); coding-DNA position 46, C replaced by T.
Protein change: p.Pro16Ser; replaces proline 16 with serine.
Molecular consequence: missense variant.
Genome position (GRCh38, 1-based): chr1:154,272,769, C>T. VCF-style: chr1-154272769-C-T. GRCh37 (hg19) VCF-style: chr1-154245245-C-T.
Other names: c.46C>T, p.Pro16Ser (NM_001018837.2); short protein forms P16S.
Identifiers: ClinVar variation 579564 (VCV000579564.7), dbSNP rs763746492, ClinGen allele CA1127217.

ClinVar aggregate classification (germline): Uncertain significance. Review status: criteria provided, multiple submitters, no conflicts (2 of 4 stars). 4 submissions from 4 submitters: Uncertain significance (3). 1 of the submissions does not count toward it. Last evaluated 2024-11-26.

Conditions:
Kostmann syndrome (SCN3). Also called: KOSTMANN DISEASE; Autosomal recessive severe congenital neutropenia type 3. Identifiers: Orphanet 99749, MedGen C5235141, MONDO:0012548, OMIM 610738.
Inborn genetic diseases. Identifiers: MedGen C0950123, MeSH D030342.

Allele frequency attached by ClinVar (database versions not stated): gnomAD 0.00001; gnomAD exomes 0.00001 and 0.00003; ExAC 0.00002; TOPMed 0.00002.

Submissions (4):

Ambry Genetics
Classification: Uncertain significance for Inborn genetic diseases. Last evaluated: 2024-11-26. Review status: criteria provided, single submitter. Criteria: Ambry Variant Classification Scheme 2023. Collection method: clinical testing. Allele origin: germline.
Comment: The p.P16S variant (also known as c.46C>T), located in coding exon 1 of the HAX1 gene, results from a C to T substitution at nucleotide position 46. The proline at codon 16 is replaced by serine, an amino acid with similar properties. This amino acid position is conserved. In addition, this alteration is predicted to be tolerated by in silico analysis. Based on the available evidence, the clinical significance of this variant remains unclear.

Center for Genomics, Ann and Robert H. Lurie Children's Hospital of Chicago
Classification: Uncertain significance for Kostmann syndrome. Last evaluated: 2022-10-05. Review status: criteria provided, single submitter. Criteria: ACMG Guidelines, 2015. Collection method: clinical testing. Allele origin: germline.
Comment: This variant has not been reported in the literature but is present in the Genome Aggregation Database (Highest reported MAF: 0.02% [7/34568]), and in ClinVar (Variation ID: 579564). Evolutionary conservation and computational predictive tools suggest that this variant may not impact the protein. In summary, data on this variant is insufficient for disease classification. Therefore, the clinical significance of this variant is uncertain.

Labcorp Genetics (formerly Invitae), Labcorp
Classification: Uncertain significance for Kostmann syndrome. Last evaluated: 2021-08-24. Review status: criteria provided, single submitter. Criteria: Invitae Variant Classification Sherloc (09022015). Collection method: clinical testing. Allele origin: germline.
Comment: This sequence change replaces proline with serine at codon 16 of the HAX1 protein (p.Pro16Ser). The proline residue is moderately conserved and there is a moderate physicochemical difference between proline and serine. This variant is present in population databases (rs763746492, ExAC 0.03%). This variant has not been reported in the literature in individuals affected with HAX1-related conditions. Algorithms developed to predict the effect of missense changes on protein structure and function (SIFT, PolyPhen-2, Align-GVGD) all suggest that this variant is likely to be tolerated. In summary, the available evidence is currently insufficient to determine the role of this variant in disease. Therefore, it has been classified as a Variant of Uncertain Significance.

Natera, Inc.
Classification: Uncertain significance for Autosomal recessive severe congenital neutropenia type 3. Last evaluated: 2019-10-28. Review status: no assertion criteria provided. Collection method: clinical testing. Allele origin: germline. Not counted in ClinVar's aggregate classification.